The following is an entry in ClinVar:

ClinVar aggregate classification (germline): Pathogenic/Likely pathogenic. Review status: criteria provided, multiple submitters, no conflicts (2 of 4 stars). 4 submissions from 4 submitters: Pathogenic (1); Likely pathogenic (2). 1 of the submissions does not count toward it. Last evaluated 2024-06-08.

Conditions:
BBS7-related disorder. Also called: BBS7-related condition.
Bardet-Biedl syndrome 7 (BBS7). Identifiers: Orphanet 110, MedGen C1859565, MONDO:0014435, OMIM 615984.

gnomAD v4.1: 2 of 1,612,696 alleles (0.00012%); highest among the groups gnomAD compares: Non-Finnish European, 0.00017%; no homozygotes.

Submissions (4):

Fulgent Genetics
Classification: Likely pathogenic for Bardet-Biedl syndrome 7. Last evaluated: 2024-06-08. Review status: criteria provided, single submitter. Criteria: ACMG Guidelines, 2015. Collection method: clinical testing. Allele origin: germline.

MVZ Medizinische Genetik Mainz
Classification: Pathogenic for Bardet-Biedl syndrome 7. Last evaluated: 2024-05-15. Review status: criteria provided, single submitter. Criteria: UK Practice Guidelines For Variant Classification V4 01 2020. Collection method: clinical testing. Allele origin: germline. Inheritance: Autosomal recessive inheritance. Affected: yes. Observed: 1 variant allele.
Comment: ACMG Criteria: PVS1,PM2_SUP,PP4

Blueprint Genetics
Classification: Likely pathogenic for BBS7-related disorders. Last evaluated: 2023-05-15. Review status: criteria provided, single submitter. Criteria: ACMG Guidelines, 2015. Collection method: clinical testing. Allele origin: germline. Affected: yes. Observed: 2 variant alleles.

Department of Medical Genetics, Erciyes University Faculty of Medicine
Classification: Pathogenic for Bardet-Biedl syndrome 7. Last evaluated: 2024-02-01. Review status: no assertion criteria provided. Collection method: clinical testing. Allele origin: germline. Affected: yes. Not counted in ClinVar's aggregate classification.

NM_176824.3(BBS7):c.529-2A>G

Gene: BBS7 (Bardet-Biedl syndrome 7; minus strand). Cytogenetic location: 4q27.
Variant type: single nucleotide variant.
Coding change: c.529-2A>G on transcript NM_176824.3 (MANE Select); the canonical splice acceptor site of the intron before coding-DNA position 529, A replaced by G.
Molecular consequence: splice acceptor variant.
Genome position (GRCh38, 1-based): chr4:121,855,563, T>C on the plus strand (A>G on the coding strand, the complement: BBS7 is on the minus strand). VCF-style: chr4-121855563-T-C. GRCh37 (hg19) VCF-style: chr4-122776718-T-C.
Other names: c.529-2A>G (NM_018190.4).
Identifiers: ClinVar variation 2920657 (VCV002920657.4).